The following is an entry in ClinVar:

NM_001291303.3(FAT4):c.5921-61G>C

Gene: FAT4 (FAT atypical cadherin 4; plus strand). Cytogenetic location: 4q28.1.
Variant type: single nucleotide variant.
Coding change: c.5921-61G>C on transcript NM_001291303.3 (MANE Select); 61 bases into the intron before coding-DNA position 5921, G replaced by C.
Molecular consequence: intron variant.
Genome position (GRCh38, 1-based): chr4:125,414,823, G>C. VCF-style: chr4-125414823-G-C. GRCh37 (hg19) VCF-style: chr4-126335978-G-C.
Other names: NC_000004.11:g.126335978G>C; c.5921-61G>C (NM_001291285.3, NM_024582.6).
Identifiers: ClinVar variation 1293010 (VCV001293010.6), dbSNP rs4605670, ClinGen allele CA104853583.

ClinVar aggregate classification (germline): Benign. Review status: criteria provided, multiple submitters, no conflicts (2 of 4 stars). 3 submissions from 3 submitters: Benign (3). Last evaluated 2024-01-24.

Allele frequency attached by ClinVar (database versions not stated): TOPMed 0.99201; gnomAD 0.99275 and 0.99310; 1000 Genomes Project 30x 0.98798; 1000 Genomes Project 0.99081.
gnomAD v4.1: 1,148,689 of 1,150,466 alleles (100%); highest among the groups gnomAD compares: East Asian, 100%; 573,478 homozygotes.

Submissions (5):

Unidad de Genómica Garrahan, Hospital de Pediatría Garrahan
Classification: Benign. Last evaluated: 2024-01-24. Review status: criteria provided, single submitter. Criteria: ACMG Guidelines, 2015. Collection method: clinical testing. Allele origin: germline. Affected: no. Observed: 94 variant alleles.
Comment: This variant is classified as Benign based on local population frequency. This variant was detected in 99% of patients studied by a panel of primary immunodeficiencies. Number of patients: 94. Only high quality variants are reported.

GeneDx
Classification: Benign. Last evaluated: 2018-06-26. Review status: criteria provided, single submitter. Criteria: GeneDx Variant Classification Process June 2021. Collection method: clinical testing. Allele origin: germline. Affected: yes.

Breakthrough Genomics
Classification: Benign. Review status: criteria provided, single submitter. Criteria: ACMG Guidelines, 2015. Collection method: not provided. Allele origin: germline. Inheritance: Autosomal recessive inheritance. Affected: yes.

Dr. Peter K. Rogan Lab, Western University
No classification provided (evidence only). Condition: Hepatocellular carcinoma. Review status: no classification provided. Collection method: in vitro. Allele origin: not applicable. Functional consequence: retained intron. Not counted in ClinVar's aggregate classification.

Dr. Peter K. Rogan Lab, Western University
No classification provided (evidence only). Condition: Hepatocellular carcinoma. Review status: no classification provided. Collection method: in vitro. Allele origin: not applicable. Functional consequence: retained intron. Not counted in ClinVar's aggregate classification.